The following is an entry in ClinVar:

ClinVar aggregate classification (germline): Uncertain significance. Review status: criteria provided, multiple submitters, no conflicts (2 of 4 stars). 2 submissions from 2 submitters: Uncertain significance (2). Last evaluated 2026-05-18.

Conditions:
Hereditary cancer-predisposing syndrome. Also called: Neoplastic Syndromes, Hereditary; Hereditary neoplastic syndrome; Hereditary Cancer Syndrome; Tumor predisposition. Identifiers: Orphanet 140162, MedGen C0027672, MeSH D009386, MONDO:0015356.
Gastrointestinal stromal tumor. Also called: Gastrointestinal stromal tumor, somatic; Gastrointestinal stroma tumor. Identifiers: Orphanet 44890, MedGen C0238198, MeSH D046152, MONDO:0011719, OMIM 606764, HP:0100723.

Allele frequency attached by ClinVar (database versions not stated): ExAC 0.00002.
gnomAD v4.1: 2 of 1,613,816 alleles (0.00012%); highest among the groups gnomAD compares: South Asian, 0.0022%; no homozygotes.

Submissions (2):

Ambry Genetics
Classification: Uncertain significance for Hereditary cancer-predisposing syndrome. Last evaluated: 2026-05-18. Review status: criteria provided, single submitter. Criteria: Ambry Variant Classification Scheme 2023. Collection method: clinical testing. Allele origin: germline.
Comment: The p.N240T variant (also known as c.719A>C), located in coding exon 4 of the PDGFRA gene, results from an A to C substitution at nucleotide position 719. The asparagine at codon 240 is replaced by threonine, an amino acid with similar properties. This amino acid position is conserved. In addition, this alteration is predicted to be tolerated by in silico analysis. Based on the available evidence, the clinical significance of this variant remains unclear.

Labcorp Genetics (formerly Invitae), Labcorp
Classification: Uncertain significance for Gastrointestinal stromal tumor. Last evaluated: 2022-09-15. Review status: criteria provided, single submitter. Criteria: Invitae Variant Classification Sherloc (09022015). Collection method: clinical testing. Allele origin: germline.
Comment: In summary, the available evidence is currently insufficient to determine the role of this variant in disease. Therefore, it has been classified as a Variant of Uncertain Significance. This sequence change replaces asparagine, which is neutral and polar, with threonine, which is neutral and polar, at codon 240 of the PDGFRA protein (p.Asn240Thr). This variant is present in population databases (rs749141162, gnomAD 0.003%). This variant has not been reported in the literature in individuals affected with PDGFRA-related conditions. Advanced modeling of protein sequence and biophysical properties (such as structural, functional, and spatial information, amino acid conservation, physicochemical variation, residue mobility, and thermodynamic stability) performed at Invitae indicates that this missense variant is not expected to disrupt PDGFRA protein function.

NM_006206.6(PDGFRA):c.719A>C (p.Asn240Thr)

Gene: PDGFRA (platelet derived growth factor receptor alpha; plus strand). Cytogenetic location: 4q12.
Variant type: single nucleotide variant.
Coding change: c.719A>C on transcript NM_006206.6 (MANE Select); coding-DNA position 719, A replaced by C.
Protein change: p.Asn240Thr; replaces asparagine 240 with threonine.
Molecular consequence: missense variant.
Genome position (GRCh38, 1-based): chr4:54,265,009, A>C. VCF-style: chr4-54265009-A-C. GRCh37 (hg19) VCF-style: chr4-55131176-A-C.
Other names: c.719A>C, p.Asn240Thr (NM_001347827.2, NM_001347829.2); c.794A>C, p.Asn265Thr (NM_001347828.2); c.758A>C, p.Asn253Thr (NM_001347830.2); short protein forms N240T, N253T, N265T.
Identifiers: ClinVar variation 1903559 (VCV001903559.6), dbSNP rs749141162, ClinGen allele CA2922360.